The following is an entry in ClinVar:

NM_001267550.2(TTN):c.27640G>A (p.Val9214Ile)

Gene: TTN (titin; minus strand). Cytogenetic location: 2q31.2.
Variant type: single nucleotide variant.
Coding change: c.27640G>A on transcript NM_001267550.2 (MANE Select); coding-DNA position 27640, G replaced by A.
Protein change: p.Val9214Ile; replaces valine 9214 with isoleucine.
Molecular consequence: missense variant. On other transcripts: intron variant (3).
Genome position (GRCh38, 1-based): chr2:178,712,190, C>T on the plus strand (G>A on the coding strand, the complement: TTN is on the minus strand). VCF-style: chr2-178712190-C-T. GRCh37 (hg19) VCF-style: chr2-179576917-C-T.
Other names: c.26689G>A, p.Val8897Ile (NM_001256850.1); c.23908G>A, p.Val7970Ile (NM_133378.4); c.13282+25892G>A (NM_003319.4); c.13858+25892G>A (NM_133437.4); c.13657+25892G>A (NM_133432.3); short protein forms V7970I, V8897I, V9214I.
Identifiers: ClinVar variation 3369201 (VCV003369201.1).
Genomic context (GRCh38, chr2:178,712,190, plus strand): 5'-TTTCAGGGGTTCCAGCAAGCTGGCATTGTAGAGAGGCAGAATCTCCAACAGACACCTTAA[C>T]CGGCTCCAACTGCTTGACAAAATACGGTGGTTCTGCAGCCAAGAGAGATAATCAATCAGT-3'
Protein context (NP_001254479.2, residues 9204-9224): PPYFVKQLEP[Val9214Ile]KVSVGDSASL

ClinVar aggregate classification (germline): Uncertain significance (1 of 4 stars; one submission).

gnomAD v4.1: 1 of 1,613,454 alleles (0.000062%); highest among the groups gnomAD compares: African/African-American, 0.0013%; no homozygotes.

Submission:

GeneDx
Classification: Uncertain significance. Last evaluated: 2024-02-13. Review status: criteria provided, single submitter. Criteria: GeneDx Variant Classification Process June 2021. Collection method: clinical testing. Allele origin: germline. Affected: yes.
Comment: Not observed at significant frequency in large population cohorts (gnomAD); Missense variant in a gene in which most reported pathogenic variants are truncating/loss of function; Has not been previously published as pathogenic or benign to our knowledge